The following is an entry in ClinVar:

ClinVar aggregate classification (germline): Benign/Likely benign. Review status: criteria provided, multiple submitters, no conflicts (2 of 4 stars). 11 submissions from 11 submitters: Benign (3); Likely benign (6). 2 of the submissions do not count toward it. Last evaluated 2025-11-28.

Conditions:
Inborn genetic diseases. Identifiers: MedGen C0950123, MeSH D030342.
Charcot-Marie-Tooth disease. Also called: Charcot-Marie-Tooth Hereditary Neuropathy; Charcot-Marie-Tooth Neuropathy. Identifiers: Orphanet 166, MedGen C0007959, MONDO:0015626.
Charcot-Marie-Tooth disease type 2E (CMT2E). Also called: CHARCOT-MARIE-TOOTH NEUROPATHY, TYPE 2E; CHARCOT-MARIE-TOOTH DISEASE, AXONAL, TYPE 2E. Identifiers: Orphanet 99939, MedGen C1843225, MONDO:0011894, OMIM 607684.
Charcot-Marie-Tooth disease type 1F. Also called: CHARCOT-MARIE-TOOTH NEUROPATHY, TYPE 1F; Charcot-Marie-Tooth disease, demyelinating, type 1f. Identifiers: Orphanet 101085, MedGen C1843164, MONDO:0011902, OMIM 607734.

Allele frequency attached by ClinVar (database versions not stated): ESP Exome Variant Server 0.00131; ExAC 0.00135; gnomAD exomes 0.00145 and 0.00130; 1000 Genomes Project 0.00060; 1000 Genomes Project 30x 0.00062; gnomAD 0.00081 and 0.00088; TOPMed 0.00084.

Submissions (11):

Labcorp Genetics (formerly Invitae), Labcorp
Classification: Likely benign for Charcot-Marie-Tooth disease type 2E. Last evaluated: 2025-11-28. Review status: criteria provided, single submitter. Criteria: Invitae Variant Classification Sherloc (09022015). Collection method: clinical testing. Allele origin: germline.

Blueprint Genetics
Classification: Likely benign. Last evaluated: 2024-11-21. Review status: criteria provided, single submitter. Criteria: ACMG Guidelines, 2015. Collection method: clinical testing. Allele origin: germline.

CeGaT Center for Human Genetics Tuebingen
Classification: Likely benign. Last evaluated: 2023-04-01. Review status: criteria provided, single submitter. Criteria: CeGaT Center For Human Genetics Tuebingen Variant Classification Criteria Version 2. Collection method: clinical testing. Allele origin: germline. Affected: yes. Observed: 2 variant alleles.
Comment: NEFL: BP4, BS1:Supporting

Ambry Genetics
Classification: Likely benign for Inborn genetic diseases. Last evaluated: 2020-08-10. Review status: criteria provided, single submitter. Criteria: Ambry Variant Classification Scheme 2023. Collection method: clinical testing. Allele origin: germline.

GeneDx
Classification: Benign. Last evaluated: 2019-01-24. Review status: criteria provided, single submitter. Criteria: GeneDx Variant Classification Process June 2021. Collection method: clinical testing. Allele origin: germline. Affected: yes.
Comment: This variant is associated with the following publications: (PMID: 12566280, 22765307, 17052987)

Illumina Laboratory Services, Illumina
Classification: Benign for Charcot-Marie-Tooth disease type 1F. Last evaluated: 2018-01-13. Review status: criteria provided, single submitter. Criteria: ICSL Variant Classification Criteria 13 December 2019. Collection method: clinical testing. Allele origin: germline.
Comment: This variant was observed in the ICSL laboratory as part of a predisposition screen in an ostensibly healthy population. It had not been previously curated by ICSL or reported in the Human Gene Mutation Database (HGMD: prior to June 1st, 2018), and was therefore a candidate for classification through an automated scoring system. Utilizing variant allele frequency, disease prevalence and penetrance estimates, and inheritance mode, an automated score was calculated to assess if this variant is too frequent to cause the disease. Based on the score and internal cut-off values, a variant classified as benign is not then subjected to further curation. The score for this variant resulted in a classification of benign for this disease.

Mayo Clinic Laboratories, Mayo Clinic
Classification: Benign. Last evaluated: 2016-12-06. Review status: criteria provided, single submitter. Criteria: ACMG Guidelines, 2015. Collection method: clinical testing. Allele origin: germline. Observed: 11 variant alleles.

Breakthrough Genomics
Classification: Likely benign. Review status: criteria provided, single submitter. Criteria: ACMG Guidelines, 2015. Collection method: not provided. Allele origin: germline. Inheritance: Autosomal recessive inheritance. Affected: yes.

Molecular Genetics Laboratory, London Health Sciences Centre
Classification: Likely benign for Charcot-Marie-Tooth disease. Review status: criteria provided, single submitter. Criteria: ACMG Guidelines, 2015. Collection method: clinical testing. Allele origin: germline. Affected: yes.

Epithelial Biology;  Institute of Medical Biology, Singapore
No classification provided. Review status: no classification provided. Collection method: not provided. Allele origin: not provided. Not counted in ClinVar's aggregate classification.

Inherited Neuropathy Consortium
Classification: Likely benign. Review status: no assertion criteria provided. Collection method: literature only. Allele origin: germline. Affected: yes. Not counted in ClinVar's aggregate classification.

Literature cited by the submitters: PubMed 12566280 (cited by Inherited Neuropathy Consortium).

NM_006158.5(NEFL):c.1402G>A (p.Asp468Asn)

Gene: NEFL (neurofilament light chain; minus strand). Cytogenetic location: 8p21.2.
Variant type: single nucleotide variant.
Coding change: c.1402G>A on transcript NM_006158.5 (MANE Select); coding-DNA position 1402, G replaced by A.
Protein change: p.Asp468Asn; replaces aspartic acid 468 with asparagine.
Molecular consequence: missense variant.
Genome position (GRCh38, 1-based): chr8:24,953,563, C>T on the plus strand (G>A on the coding strand, the complement: NEFL is on the minus strand). VCF-style: chr8-24953563-C-T. GRCh37 (hg19) VCF-style: chr8-24811077-C-T.
Other names: short protein forms D468N.
Identifiers: ClinVar variation 66676 (VCV000066676.62), dbSNP rs57153321, ClinGen allele CA217501.
Genomic context (GRCh38, chr8:24,953,563, plus strand): 5'-CCTCGGCCTCTTCCTTGTCCTTCTCCTCCTCCTCGGCTTCTCCTTCAGAGGGGGGCTCAT[C>T]CTTGGCTTCCTCAGCCTTGGCAGCCTCAATGGTTTCCTCCACTTCGATCTGCTCCTCTTG-3'
Protein context (NP_006149.2, residues 458-478): IEAAKAEEAK[Asp468Asn]EPPSEGEAEE